The following is an entry in ClinVar:

ClinVar aggregate classification (germline): Uncertain significance (1 of 4 stars; one submission).

Conditions:
Fibrous dysplasia of jaw (CRBM). Also called: Cherubism. Identifiers: Orphanet 184, MedGen C0008029, MONDO:0007315, OMIM 118400.

gnomAD v4.1: 5 of 1,614,250 alleles (0.00031%); highest among the groups gnomAD compares: Admixed American, 0.0033%; no homozygotes.

Submission:

Labcorp Genetics (formerly Invitae), Labcorp
Classification: Uncertain significance for Fibrous dysplasia of jaw. Last evaluated: 2021-08-29. Review status: criteria provided, single submitter. Criteria: Invitae Variant Classification Sherloc (09022015). Collection method: clinical testing. Allele origin: germline.
Comment: This sequence change replaces serine with phenylalanine at codon 505 of the SH3BP2 protein (p.Ser505Phe). The serine residue is moderately conserved and there is a large physicochemical difference between serine and phenylalanine. This variant is present in population databases (rs144577122, ExAC 0.009%). This variant has not been reported in the literature in individuals with SH3BP2-related conditions. Algorithms developed to predict the effect of missense changes on protein structure and function output the following: SIFT: "Tolerated"; PolyPhen-2: "Benign"; Align-GVGD: "Class C0". The phenylalanine amino acid residue is found in multiple mammalian species, suggesting that this missense change does not adversely affect protein function. These predictions have not been confirmed by published functional studies and their clinical significance is uncertain. In summary, the available evidence is currently insufficient to determine the role of this variant in disease. Therefore, it has been classified as a Variant of Uncertain Significance.

NM_001122681.2(SH3BP2):c.1514C>T (p.Ser505Phe)

Gene: SH3BP2 (SH3 domain binding protein 2; plus strand). Cytogenetic location: 4p16.3.
Variant type: single nucleotide variant.
Coding change: c.1514C>T on transcript NM_001122681.2 (MANE Select); coding-DNA position 1514, C replaced by T.
Protein change: p.Ser505Phe; replaces serine 505 with phenylalanine.
Molecular consequence: missense variant.
Genome position (GRCh38, 1-based): chr4:2,833,015, C>T. VCF-style: chr4-2833015-C-T. GRCh37 (hg19) VCF-style: chr4-2834742-C-T.
Other names: c.1598C>T, p.Ser533Phe (NM_001145855.2); c.1685C>T, p.Ser562Phe (NM_001145856.2); c.1514C>T, p.Ser505Phe (NM_003023.4); short protein forms S505F, S533F, S562F.
Identifiers: ClinVar variation 1393611 (VCV001393611.8), dbSNP rs144577122, ClinGen allele CA2819600.
Genomic context (GRCh38, chr4:2,833,015, plus strand): 5'-CAGGGAGCCGTCAGCCTCCCGCTTCCGTCCTGTAGGTCCTGGTTGTGTGGGACGAAACCT[C>T]TAACAAAGTGAGGAACTATCGCATTTTTGAGAAGGTGAGAGGGCTCTGAGTGGGACGGGG-3'
Protein context (NP_001116153.1, residues 495-515): GKVLVVWDET[Ser505Phe]NKVRNYRIFE